The following is an entry in ClinVar:

NM_181458.4(PAX3):c.503dup (p.Glu169fs)

Gene: PAX3 (paired box 3; minus strand). Cytogenetic location: 2q36.1.
Variant type: Duplication.
Coding change: c.503dup on transcript NM_181458.4 (MANE Select); coding-DNA position 503, one base duplicated (A; older notation c.503dupA).
Protein change: p.Glu169fs; shifts the reading frame from glutamic acid 169.
Molecular consequence: frameshift variant.
Genome position (GRCh38, 1-based): chr2:222,294,250, T duplicated on the plus strand (A on the coding strand, the reverse complement: PAX3 is on the minus strand). VCF-style (leftmost placement, unchanged base first): chr2-222294249-C-CT. GRCh37 (hg19) VCF-style: chr2-223158968-C-CT.
Other names: c.503dup, p.Glu169fs (NM_000438.6, NM_013942.5, NM_181457.4 and 3 more transcripts); c.500dup, p.Glu168fs (NM_001127366.3); short protein forms E168fs, E169fs.
Identifiers: ClinVar variation 1381147 (VCV001381147.6), dbSNP rs2106196885, ClinGen allele CA2573135305.

ClinVar aggregate classification (germline): Pathogenic (1 of 4 stars; one submission).

Submission:

Labcorp Genetics (formerly Invitae), Labcorp
Classification: Pathogenic. Last evaluated: 2021-03-29. Review status: criteria provided, single submitter. Criteria: Invitae Variant Classification Sherloc (09022015). Collection method: clinical testing. Allele origin: germline.
Comment: This sequence change creates a premature translational stop signal (p.Glu169Glyfs*35) in the PAX3 gene. It is expected to result in an absent or disrupted protein product. Loss-of-function variants in PAX3 are known to be pathogenic (PMID: 20127975, 23512835). This variant is not present in population databases (ExAC no frequency). This variant has not been reported in the literature in individuals with PAX3-related conditions. For these reasons, this variant has been classified as Pathogenic.

Literature cited by the submitters: PubMed 20127975; PubMed 23512835.